The following is an entry in ClinVar:

NM_018082.6(POLR3B):c.135T>A (p.Asp45Glu)

Gene: POLR3B (RNA polymerase III subunit B; plus strand). Cytogenetic location: 12q23.3.
Variant type: single nucleotide variant.
Coding change: c.135T>A on transcript NM_018082.6 (MANE Select); coding-DNA position 135, T replaced by A.
Protein change: p.Asp45Glu; replaces aspartic acid 45 with glutamic acid.
Molecular consequence: missense variant. On other transcripts: 5 prime UTR variant (1).
Genome position (GRCh38, 1-based): chr12:106,366,545, T>A. VCF-style: chr12-106366545-T-A. GRCh37 (hg19) VCF-style: chr12-106760323-T-A.
Other names: c.-40T>A (NM_001160708.2); short protein forms D45E.
Identifiers: ClinVar variation 4537093 (VCV004537093.1).

ClinVar aggregate classification (germline): Uncertain significance (1 of 4 stars; one submission).

Submission:

Women's Health and Genetics/Laboratory Corporation of America, LabCorp
Classification: Uncertain significance. Last evaluated: 2025-11-04. Review status: criteria provided, single submitter. Criteria: LabCorp Variant Classification Summary - May 2015. Collection method: clinical testing. Allele origin: germline.
Comment: Variant summary: POLR3B c.135T>A (p.Asp45Glu) results in a conservative amino acid change located in the protrusion domain (IPR007644) of the encoded protein sequence. Algorithms developed to predict the effect of missense changes on protein structure and function are either unavailable or do not agree on the potential impact of this missense change. The variant was absent in 251222 control chromosomes. The available data on variant occurrences in the general population are insufficient to allow any conclusion about variant significance. To our knowledge, no occurrence of c.135T>A in individuals affected with POLR3B-related conditions and no experimental evidence demonstrating its impact on protein function have been reported. No submitters have cited clinical-significance assessments for this variant to ClinVar. Based on the evidence outlined above, the variant was classified as uncertain significance.